The following is an entry in ClinVar:

NM_002335.4(LRP5):c.4783G>A (p.Ala1595Thr)

Gene: LRP5 (LDL receptor related protein 5; plus strand). Cytogenetic location: 11q13.2.
Variant type: single nucleotide variant.
Coding change: c.4783G>A on transcript NM_002335.4 (MANE Select); coding-DNA position 4783, G replaced by A.
Protein change: p.Ala1595Thr; replaces alanine 1595 with threonine.
Molecular consequence: missense variant.
Genome position (GRCh38, 1-based): chr11:68,449,005, G>A. VCF-style: chr11-68449005-G-A. GRCh37 (hg19) VCF-style: chr11-68216473-G-A.
Other names: c.4783G>A (NM_002335.2); c.3040G>A, p.Ala1014Thr (NM_001291902.2); short protein forms A1014T, A1595T.
Identifiers: ClinVar variation 965030 (VCV000965030.12), dbSNP rs371285818, ClinGen allele CA6150510.

ClinVar aggregate classification (germline): Uncertain significance. Review status: criteria provided, multiple submitters, no conflicts (2 of 4 stars). 4 submissions from 4 submitters: Uncertain significance (4). Last evaluated 2026-08-01.

Conditions:
Inborn genetic diseases. Identifiers: MedGen C0950123, MeSH D030342.
LRP5-related disorder. Also called: LRP5-related condition.
Osteoporosis with pseudoglioma (OPPG). Also called: osteoporosis-pseudoglioma syndrome. Identifiers: Orphanet 2788, MedGen C0432252, MONDO:0009820, OMIM 259770.
Polycystic liver disease 4 with or without kidney cysts. Identifiers: MedGen C4693479, MONDO:0044327, OMIM 617875.
Worth disease. Also called: OSTEOSCLEROSIS, AUTOSOMAL DOMINANT; ENDOSTEAL HYPEROSTOSIS, AUTOSOMAL DOMINANT; Autosomal dominant osteosclerosis, Worth type. Identifiers: Orphanet 2790, MedGen C0432273, MONDO:0007764, OMIM 144750.
Exudative vitreoretinopathy 4 (EVR4). Identifiers: Orphanet 891, MedGen C1866176, MONDO:0011151, OMIM 601813.
Bone mineral density quantitative trait locus 1 (BMND1). Identifiers: MedGen C1866079, OMIM 601884.
Autosomal dominant osteopetrosis 1 (OPTA1). Also called: OSTEOPETROSIS, AUTOSOMAL DOMINANT, TYPE I. Identifiers: Orphanet 2783, MedGen C1843330, MONDO:0011877, OMIM 607634.

Allele frequency attached by ClinVar (database versions not stated): ExAC 0.00003; gnomAD 0.00003 and 0.00005; gnomAD exomes 0.00005 and 0.00009; ESP Exome Variant Server 0.00015; 1000 Genomes Project 30x 0.00016; 1000 Genomes Project 0.00020.
gnomAD v4.1: 149 of 1,593,374 alleles (0.0094%); highest among the groups gnomAD compares: Non-Finnish European, 0.011%; no homozygotes.

Submissions (4):

PreventionGenetics, part of Exact Sciences
Classification: Uncertain significance for LRP5-related condition. Last evaluated: 2026-08-01. Review status: criteria provided, single submitter. Criteria: ACMG Guidelines, 2015. Collection method: clinical testing. Allele origin: germline.
Comment: The LRP5 c.4783G>A variant is predicted to result in the amino acid substitution p.Ala1595Thr. To our knowledge, this variant has not been reported in the literature. This variant is reported in 0.0081% of alleles in individuals of European (Non-Finnish) descent in gnomAD. At this time, the clinical significance of this variant is uncertain due to the absence of conclusive functional and genetic evidence.

Labcorp Genetics (formerly Invitae), Labcorp
Classification: Uncertain significance. Last evaluated: 2026-01-26. Review status: criteria provided, single submitter. Criteria: Invitae Variant Classification Sherloc (09022015). Collection method: clinical testing. Allele origin: germline.
Comment: This sequence change replaces alanine, which is neutral and non-polar, with threonine, which is neutral and polar, at codon 1595 of the LRP5 protein (p.Ala1595Thr). This variant is present in population databases (rs371285818, gnomAD 0.007%). This variant has not been reported in the literature in individuals affected with LRP5-related conditions. ClinVar contains an entry for this variant (Variation ID: 965030). Invitae Evidence Modeling of protein sequence and biophysical properties (such as structural, functional, and spatial information, amino acid conservation, physicochemical variation, residue mobility, and thermodynamic stability) indicates that this missense variant is not expected to disrupt LRP5 protein function with a negative predictive value of 95%. In summary, the available evidence is currently insufficient to determine the role of this variant in disease. Therefore, it has been classified as a Variant of Uncertain Significance.

Ambry Genetics
Classification: Uncertain significance for Inborn genetic diseases. Last evaluated: 2024-11-28. Review status: criteria provided, single submitter. Criteria: Ambry Variant Classification Scheme 2023. Collection method: clinical testing. Allele origin: germline.

Fulgent Genetics
Classification: Uncertain significance for Worth disease; Osteoporosis with pseudoglioma; Exudative vitreoretinopathy 4; Bone mineral density quantitative trait locus 1; Autosomal dominant osteopetrosis 1; Polycystic liver disease 4 with or without kidney cysts. Last evaluated: 2024-01-11. Review status: criteria provided, single submitter. Criteria: ACMG Guidelines, 2015. Collection method: clinical testing. Allele origin: germline.